The following is an entry in ClinVar:

NM_015213.4(DENND5A):c.1873A>G (p.Met625Val)

Gene: DENND5A (DENN domain containing 5A; minus strand). Cytogenetic location: 11p15.4.
Variant type: single nucleotide variant.
Coding change: c.1873A>G on transcript NM_015213.4 (MANE Select); coding-DNA position 1873, A replaced by G.
Protein change: p.Met625Val; replaces methionine 625 with valine.
Molecular consequence: missense variant. On other transcripts: non-coding transcript variant (1).
Genome position (GRCh38, 1-based): chr11:9,178,165, T>C on the plus strand (A>G on the coding strand, the complement: DENND5A is on the minus strand). VCF-style: chr11-9178165-T-C. GRCh37 (hg19) VCF-style: chr11-9199712-T-C.
Other names: c.1873A>G, p.Met625Val (NM_001243254.2, NM_001348748.1); c.1801A>G, p.Met601Val (NM_001348749.2); c.1585A>G, p.Met529Val (NM_001348750.2); c.1873A>G (NM_015213.3); short protein forms M601V, M625V, M529V.
Identifiers: ClinVar variation 2068534 (VCV002068534.3), dbSNP rs777968392, ClinGen allele CA5877507.

ClinVar aggregate classification (germline): Uncertain significance. Review status: criteria provided, multiple submitters, no conflicts (2 of 4 stars). 2 submissions from 2 submitters: Uncertain significance (2). Last evaluated 2023-04-28.

Conditions:
Inborn genetic diseases. Identifiers: MedGen C0950123, MeSH D030342.

Allele frequency attached by ClinVar (database versions not stated): gnomAD 0.00002; TOPMed 0.00002; gnomAD exomes 0.00003; ExAC 0.00004.
gnomAD v4.1: 42 of 1,613,998 alleles (0.0026%); highest among the groups gnomAD compares: Admixed American, 0.0033%; no homozygotes.

Submissions (2):

Ambry Genetics
Classification: Uncertain significance for Inborn genetic diseases. Last evaluated: 2023-04-28. Review status: criteria provided, single submitter. Criteria: Ambry Variant Classification Scheme 2023. Collection method: clinical testing. Allele origin: germline.

Labcorp Genetics (formerly Invitae), Labcorp
Classification: Uncertain significance. Last evaluated: 2022-04-29. Review status: criteria provided, single submitter. Criteria: Invitae Variant Classification Sherloc (09022015). Collection method: clinical testing. Allele origin: germline.
Comment: This sequence change replaces methionine, which is neutral and non-polar, with valine, which is neutral and non-polar, at codon 625 of the DENND5A protein (p.Met625Val). This variant is present in population databases (rs777968392, gnomAD 0.009%). This variant has not been reported in the literature in individuals affected with DENND5A-related conditions. Algorithms developed to predict the effect of missense changes on protein structure and function (SIFT, PolyPhen-2, Align-GVGD) all suggest that this variant is likely to be tolerated. In summary, the available evidence is currently insufficient to determine the role of this variant in disease. Therefore, it has been classified as a Variant of Uncertain Significance.